The following is an entry in ClinVar:

NM_001289104.2(PRKCSH):c.1102G>A (p.Glu368Lys)

Gene: PRKCSH (PRKCSH beta subunit of glucosidase II; plus strand). Cytogenetic location: 19p13.2.
Variant type: single nucleotide variant.
Coding change: c.1102G>A on transcript NM_001289104.2 (MANE Select); coding-DNA position 1102, G replaced by A.
Protein change: p.Glu368Lys; replaces glutamic acid 368 with lysine.
Molecular consequence: missense variant.
Genome position (GRCh38, 1-based): chr19:11,447,765, G>A. VCF-style: chr19-11447765-G-A. GRCh37 (hg19) VCF-style: chr19-11558580-G-A.
Other names: c.1072G>A, p.Glu358Lys (NM_001001329.3, NM_001289102.2, NM_001379609.1); c.1102G>A, p.Glu368Lys (NM_001289103.2); c.1081G>A, p.Glu361Lys (NM_001379608.1, NM_002743.3); short protein forms E361K, E368K, E358K.
Identifiers: ClinVar variation 4628405 (VCV004628405.2).

ClinVar aggregate classification (germline): Uncertain significance. Review status: criteria provided, multiple submitters, no conflicts (2 of 4 stars). 2 submissions from 2 submitters: Uncertain significance (2). Last evaluated 2025-10-15.

Conditions:
Inborn genetic diseases. Identifiers: MedGen C0950123, MeSH D030342.

gnomAD v4.1: 11 of 1,589,846 alleles (0.00069%); highest among the groups gnomAD compares: African/African-American, 0.0067%; no homozygotes.

Submissions (2):

Ambry Genetics
Classification: Uncertain significance for Inborn genetic diseases. Last evaluated: 2025-10-15. Review status: criteria provided, single submitter. Criteria: Ambry Variant Classification Scheme 2023. Collection method: clinical testing. Allele origin: germline.

Labcorp Genetics (formerly Invitae), Labcorp
Classification: Uncertain significance. Last evaluated: 2025-05-06. Review status: criteria provided, single submitter. Criteria: Invitae Variant Classification Sherloc (09022015). Collection method: clinical testing. Allele origin: germline.
Comment: This sequence change replaces glutamic acid, which is acidic and polar, with lysine, which is basic and polar, at codon 361 of the PRKCSH protein (p.Glu361Lys). This variant is not present in population databases (gnomAD no frequency). This variant has not been reported in the literature in individuals affected with PRKCSH-related conditions. An algorithm developed to predict the effect of missense changes on protein structure and function (PolyPhen-2) suggests that this variant is likely to be tolerated. In summary, the available evidence is currently insufficient to determine the role of this variant in disease. Therefore, it has been classified as a Variant of Uncertain Significance.